The following is an entry in ClinVar:

NM_001165963.4(SCN1A):c.4441G>A (p.Val1481Ile)

Genes: SCN1A (sodium voltage-gated channel alpha subunit 1; minus strand), LOC102724058 (uncharacterized LOC102724058; plus strand). Cytogenetic location: 2q24.3.
Variant type: single nucleotide variant.
Coding change: c.4441G>A on transcript NM_001165963.4 (MANE Select); coding-DNA position 4441, G replaced by A.
Protein change: p.Val1481Ile; replaces valine 1481 with isoleucine.
Molecular consequence: missense variant. On other transcripts: non-coding transcript variant (1).
Genome position (GRCh38, 1-based): chr2:165,998,073, C>T on the plus strand (G>A on the coding strand, the complement: SCN1A is on the minus strand). VCF-style: chr2-165998073-C-T. GRCh37 (hg19) VCF-style: chr2-166854583-C-T.
Other names: c.4357G>A, p.Val1453Ile (NM_001165964.3, NM_001353957.2, NM_001353958.2); c.4441G>A, p.Val1481Ile (NM_001202435.3, NM_001353948.2); c.4408G>A, p.Val1470Ile (NM_001353949.2, NM_001353950.2, NM_001353951.2 and 2 more transcripts); c.4405G>A, p.Val1469Ile (NM_001353954.2, NM_001353955.2); c.4354G>A, p.Val1452Ile (NM_001353960.2); c.1999G>A, p.Val667Ile (NM_001353961.2); short protein forms V1470I, V1481I, V667I, V1452I, V1453I, V1469I.
Identifiers: ClinVar variation 426175 (VCV000426175.4), dbSNP rs1085307484, ClinGen allele CA349049242.

ClinVar aggregate classification (germline): Pathogenic/Likely pathogenic. Review status: criteria provided, multiple submitters, no conflicts (2 of 4 stars). 2 submissions from 2 submitters: Pathogenic (1); Likely pathogenic (1). Last evaluated 2020-04-20.

Conditions:
Intellectual disability. Also called: Intellectual developmental disorder; Intellectual functioning disability; intellectual disabilities. Identifiers: MedGen C3714756, MeSH D008607, MONDO:0001071, HP:0001249.

Submissions (2):

Diagnostic Laboratory, Strasbourg University Hospital
Classification: Pathogenic for Intellectual disability. Last evaluated: 2020-04-20. Review status: criteria provided, single submitter. Criteria: ACMG Guidelines, 2015. Collection method: clinical testing. Allele origin: de novo. Inheritance: Autosomal dominant inheritance. Affected: yes. Observed: 1 heterozygote.

GeneDx
Classification: Likely pathogenic. Last evaluated: 2017-04-28. Review status: criteria provided, single submitter. Criteria: GeneDx Variant Classification (06012015). Collection method: clinical testing. Allele origin: germline. Affected: yes.
Comment: The V1481I variant in the SCN1A gene has not been reported previously as a pathogenic variant, nor as a benign variant, to our knowledge. The V1481I variant is not observed in large population cohorts (Lek et al., 2016; 1000 Genomes Consortium et al., 2015; Exome Variant Server). While the V1481I variant is a conservative amino acid substitution, it alters a highly conserved position predicted to be in the transmembrane segment S6 of the third homologous domain. In silico analysis is inconsistent in its predictions as to whether or not the variant is damaging to the protein structure/function. Missense variants in nearby residues (G1480V, D1484G, N1485Y, N1485D) have been reported in the Human Gene Mutation Database in association with SCN1A-related disorders (Stenson et al., 2014), supporting the functional importance of this region of the protein. We interpret V1481I as a likely pathogenic variant.